The following is an entry in ClinVar:

ClinVar aggregate classification (germline): Uncertain significance. Review status: criteria provided, multiple submitters, no conflicts (2 of 4 stars). 2 submissions from 2 submitters: Uncertain significance (2). Last evaluated 2024-06-22.

Conditions:
Classic or attenuated familial adenomatous polyposis. Identifiers: MedGen CN372698, MONDO:0021057.
Hereditary cancer-predisposing syndrome. Also called: Neoplastic Syndromes, Hereditary; Tumor predisposition; Hereditary neoplastic syndrome; Hereditary Cancer Syndrome. Identifiers: Orphanet 140162, MedGen C0027672, MeSH D009386, MONDO:0015356.

Submissions (2):

Ambry Genetics
Classification: Uncertain significance for Hereditary cancer-predisposing syndrome. Last evaluated: 2024-06-22. Review status: criteria provided, single submitter. Criteria: Ambry Variant Classification Scheme 2023. Collection method: clinical testing. Allele origin: germline.
Comment: The p.A2608V variant (also known as c.7823C>T), located in coding exon 15 of the APC gene, results from a C to T substitution at nucleotide position 7823. The alanine at codon 2608 is replaced by valine, an amino acid with similar properties. This amino acid position is conserved. In addition, in silico predictors for this gene do not accurately predict pathogenicity. Based on the available evidence, the clinical significance of this variant remains unclear.

All of Us Research Program, National Institutes of Health
Classification: Uncertain significance for Classic or attenuated familial adenomatous polyposis. Last evaluated: 2023-11-20. Review status: criteria provided, single submitter. Criteria: ACMG Guidelines, 2015. Collection method: clinical testing. Allele origin: germline. Inheritance: Autosomal dominant inheritance. Observed: 1 variant allele, 1 heterozygote.
Comment: This missense variant replaces alanine with valine at codon 2608 of the APC protein. Computational prediction suggests that this variant may not impact protein structure and function (internally defined REVEL score threshold <= 0.5, PMID: 27666373). To our knowledge, functional studies have not been reported for this variant. This variant has not been reported in individuals affected with APC-related disorders in the literature. This variant has not been identified in the general population by the Genome Aggregation Database (gnomAD). The available evidence is insufficient to determine the role of this variant in disease conclusively. Therefore, this variant is classified as a Variant of Uncertain Significance.

This study involves interpretation of variants in research participants for the purpose of population health screening. Participant phenotype was not available at the time of variant classification. Additional details can be found in publication PMID: 35346344, PMCID: PMC8962531

NM_000038.6(APC):c.7823C>T (p.Ala2608Val)

Gene: APC (APC regulator of Wnt signaling pathway; plus strand). Cytogenetic location: 5q22.2.
Variant type: single nucleotide variant.
Coding change: c.7823C>T on transcript NM_000038.6 (MANE Select); coding-DNA position 7823, C replaced by T.
Protein change: p.Ala2608Val; replaces alanine 2608 with valine.
Molecular consequence: missense variant. On other transcripts: non-coding transcript variant (2).
Genome position (GRCh38, 1-based): chr5:112,843,417, C>T. VCF-style: chr5-112843417-C-T. GRCh37 (hg19) VCF-style: chr5-112179114-C-T.
Other names: c.7823C>T (NM_000038.5); c.7823C>T, p.Ala2608Val (NM_001127510.3, NM_001354895.2, NM_001407450.1); c.7769C>T, p.Ala2590Val (NM_001127511.3); c.7877C>T, p.Ala2626Val (NM_001354896.2, NM_001407447.1, NM_001407448.1 and 1 more transcripts); c.7853C>T, p.Ala2618Val (NM_001354897.2); c.7748C>T, p.Ala2583Val (NM_001354898.2); c.7739C>T, p.Ala2580Val (NM_001354899.2); c.7700C>T, p.Ala2567Val (NM_001354900.2); and 12 more; short protein forms A2224V, A2325V, A2448V, A2479V, A2482V, A2507V, A2517V, A2525V.
Identifiers: ClinVar variation 3074632 (VCV003074632.2), dbSNP rs1554088688, ClinGen allele CA16038328.